The following is an entry in ClinVar:

NM_005228.5(EGFR):c.2553C>T (p.Val851=)

Gene: EGFR (epidermal growth factor receptor; plus strand). Cytogenetic location: 7p11.2.
Variant type: single nucleotide variant.
Coding change: c.2553C>T on transcript NM_005228.5 (MANE Select); coding-DNA position 2553, C replaced by T.
Protein change: p.Val851=; no amino-acid change (valine 851 retained).
Molecular consequence: synonymous variant.
Genome position (GRCh38, 1-based): chr7:55,191,802, C>T. VCF-style: chr7-55191802-C-T. GRCh37 (hg19) VCF-style: chr7-55259495-C-T.
Other names: c.2418C>T, p.Val806= (NM_001346897.2, NM_001346899.2); c.2553C>T, p.Val851= (NM_001346898.2); c.2394C>T, p.Val798= (NM_001346900.2); c.1752C>T, p.Val584= (NM_001346941.2).
Identifiers: ClinVar variation 3507177 (VCV003507177.2).

ClinVar aggregate classification (germline): Benign/Likely benign. Review status: criteria provided, multiple submitters, no conflicts (2 of 4 stars). 2 submissions from 2 submitters: Benign (1); Likely benign (1). Last evaluated 2024-12-02.

Conditions:
Lung cancer. Also called: Lung cancer, somatic; Malignant tumor of lung. Identifiers: MedGen C0242379, MONDO:0008903, OMIM 211980.
Hereditary cancer-predisposing syndrome. Also called: Tumor predisposition; Neoplastic Syndromes, Hereditary; Hereditary Cancer Syndrome; Hereditary neoplastic syndrome. Identifiers: Orphanet 140162, MedGen C0027672, MeSH D009386, MONDO:0015356.

Submissions (2):

Ambry Genetics
Classification: Likely benign for Hereditary cancer-predisposing syndrome. Last evaluated: 2024-12-02. Review status: criteria provided, single submitter. Criteria: Ambry Variant Classification Scheme 2023. Collection method: clinical testing. Allele origin: germline.

Myriad Genetics, Inc.
Classification: Benign for Lung cancer. Last evaluated: 2024-10-17. Review status: criteria provided, single submitter. Criteria: Myriad Autosomal Dominant, Autosomal Recessive and X-Linked Classification Criteria (2023). Collection method: clinical testing. Allele origin: unknown.
Comment: This variant is considered benign. This variant is a silent/synonymous amino acid change and it is not expected to impact splicing.